The following is an entry in ClinVar:

NM_001330078.2(NRXN1):c.772+1118G>C

Gene: NRXN1 (neurexin 1; minus strand). Cytogenetic location: 2p16.3.
Variant type: single nucleotide variant.
Coding change: c.772+1118G>C on transcript NM_001330078.2 (MANE Select); 1118 bases into the intron after coding-DNA position 772, G replaced by C.
Molecular consequence: intron variant. On other transcripts: missense variant (1).
Genome position (GRCh38, 1-based): chr2:51,026,384, C>G on the plus strand (G>C on the coding strand, the complement: NRXN1 is on the minus strand). VCF-style: chr2-51026384-C-G. GRCh37 (hg19) VCF-style: chr2-51253522-C-G.
Other names: c.858G>C, p.Lys286Asn (NM_001135659.3); c.772+1118G>C (NM_001330096.2, NM_001330087.2, NM_001330083.2 and 14 more transcripts); short protein forms K286N.
Identifiers: ClinVar variation 1716079 (VCV001716079.5), dbSNP rs201194822, ClinGen allele CA346823031.

ClinVar aggregate classification (germline): Uncertain significance (1 of 4 stars; one submission).

Conditions:
Pitt-Hopkins-like syndrome 2 (PTHSL2). Identifiers: Orphanet 221150, Orphanet 600663, MedGen C3280479, MONDO:0013690, OMIM 614325.

gnomAD v4.1: 12 of 1,592,452 alleles (0.00075%); highest among the groups gnomAD compares: Non-Finnish European, 0.001%; no homozygotes.

Submission:

Labcorp Genetics (formerly Invitae), Labcorp
Classification: Uncertain significance for Pitt-Hopkins-like syndrome 2. Last evaluated: 2023-04-06. Review status: criteria provided, single submitter. Criteria: Invitae Variant Classification Sherloc (09022015). Collection method: clinical testing. Allele origin: germline.
Comment: This sequence change replaces lysine, which is basic and polar, with asparagine, which is neutral and polar, at codon 286 of the NRXN1 protein (p.Lys286Asn). This variant is not present in population databases (gnomAD no frequency). This variant has not been reported in the literature in individuals affected with NRXN1-related conditions. ClinVar contains an entry for this variant (Variation ID: 1716079). An algorithm developed to predict the effect of missense changes on protein structure and function (PolyPhen-2) suggests that this variant is likely to be tolerated. In summary, the available evidence is currently insufficient to determine the role of this variant in disease. Therefore, it has been classified as a Variant of Uncertain Significance.